The following is an entry in ClinVar:

NM_022042.4(SLC26A1):c.1339G>A (p.Val447Met)

Genes: IDUA (alpha-L-iduronidase; plus strand), SLC26A1 (solute carrier family 26 member 1; minus strand). Cytogenetic location: 4p16.3.
Variant type: single nucleotide variant.
Coding change: c.1339G>A on transcript NM_022042.4 (MANE Select); coding-DNA position 1339, G replaced by A.
Protein change: p.Val447Met; replaces valine 447 with methionine.
Molecular consequence: missense variant. On other transcripts: intron variant (2).
Genome position (GRCh38, 1-based): chr4:989,600, C>T on the plus strand (G>A on the coding strand, the complement: SLC26A1 is on the minus strand). VCF-style: chr4-989600-C-T. GRCh37 (hg19) VCF-style: chr4-983388-C-T.
Other names: c.1339G>A, p.Val447Met (NM_213613.4); c.576+1528G>A (NM_134425.4); c.299+1651C>T (NM_000203.5); c.1339G>A (NM_213613.2); short protein forms V447M.
Identifiers: ClinVar variation 2978186 (VCV002978186.4), dbSNP rs765002645, ClinGen allele CA2801402.

ClinVar aggregate classification (germline): Uncertain significance. Review status: criteria provided, multiple submitters, no conflicts (2 of 4 stars). 2 submissions from 2 submitters: Uncertain significance (2). Last evaluated 2025-08-24.

Conditions:
Inborn genetic diseases. Identifiers: MedGen C0950123, MeSH D030342.

Allele frequency attached by ClinVar (database versions not stated): gnomAD exomes 0.00001; gnomAD 0.00003; ExAC 0.00002; TOPMed 0.00002.
gnomAD v4.1: 14 of 1,601,832 alleles (0.00087%); highest among the groups gnomAD compares: African/African-American, 0.0053%; no homozygotes.

Submissions (2):

Ambry Genetics
Classification: Uncertain significance for Inborn genetic diseases. Last evaluated: 2025-08-24. Review status: criteria provided, single submitter. Criteria: Ambry Variant Classification Scheme 2023. Collection method: clinical testing. Allele origin: germline.

Labcorp Genetics (formerly Invitae), Labcorp
Classification: Uncertain significance. Last evaluated: 2025-07-30. Review status: criteria provided, single submitter. Criteria: Invitae Variant Classification Sherloc (09022015). Collection method: clinical testing. Allele origin: germline.
Comment: This sequence change replaces valine, which is neutral and non-polar, with methionine, which is neutral and non-polar, at codon 447 of the SLC26A1 protein (p.Val447Met). The frequency data for this variant in the population databases is considered unreliable, as metrics indicate poor data quality at this position in the gnomAD database. This variant has not been reported in the literature in individuals affected with SLC26A1-related conditions. ClinVar contains an entry for this variant (Variation ID: 2978186). Invitae Evidence Modeling of protein sequence and biophysical properties (such as structural, functional, and spatial information, amino acid conservation, physicochemical variation, residue mobility, and thermodynamic stability) indicates that this missense variant is not expected to disrupt SLC26A1 protein function with a negative predictive value of 80%. In summary, the available evidence is currently insufficient to determine the role of this variant in disease. Therefore, it has been classified as a Variant of Uncertain Significance.